The following is an entry in ClinVar:

NM_020458.4(TTC7A):c.59G>A (p.Cys20Tyr)

Genes: MCFD2 (multiple coagulation factor deficiency 2, ER cargo receptor complex subunit; minus strand), TTC7A (tetratricopeptide repeat domain 7A; plus strand). Cytogenetic location: 2p21.
Variant type: single nucleotide variant.
Coding change: c.59G>A on transcript NM_020458.4 (MANE Select); coding-DNA position 59, G replaced by A.
Protein change: p.Cys20Tyr; replaces cysteine 20 with tyrosine.
Molecular consequence: missense variant. On other transcripts: 5 prime UTR variant (2), nonsense (1), intron variant (1).
Genome position (GRCh38, 1-based): chr2:46,941,600, G>A. VCF-style: chr2-46941600-G-A. GRCh37 (hg19) VCF-style: chr2-47168739-G-A.
Other names: c.59G>A, p.Cys20Tyr (NM_001288951.2); c.-846G>A (NM_001288955.2); c.-35C>T (NM_001171508.2); c.64C>T, p.Gln22Ter (NM_001171511.3); c.83-8763G>A (NM_001288953.2); short protein forms C20Y, Q22*.
Identifiers: ClinVar variation 391837 (VCV000391837.8), dbSNP rs762989436, ClinGen allele CA1647026.

ClinVar aggregate classification (germline): Uncertain significance. Review status: criteria provided, multiple submitters, no conflicts (2 of 4 stars). 4 submissions from 4 submitters: Uncertain significance (4). Last evaluated 2026-01-16.

Conditions:
Inborn genetic diseases. Identifiers: MedGen C0950123, MeSH D030342.
Multiple gastrointestinal atresias. Also called: FAMILIAL INTESTINAL POLYATRESIA SYNDROME; Multiple intestinal atresia. Identifiers: Orphanet 2300, MedGen C0220744, MONDO:0009465.

Allele frequency attached by ClinVar (database versions not stated): gnomAD exomes 0.00004 and 0.00009; TOPMed 0.00001; gnomAD 0.00002; ExAC 0.00045.
gnomAD v4.1: 60 of 1,556,812 alleles (0.0039%); highest among the groups gnomAD compares: Middle Eastern, 0.084%; no homozygotes.

Submissions (4):

Women's Health and Genetics/Laboratory Corporation of America, LabCorp
Classification: Uncertain significance. Last evaluated: 2026-01-16. Review status: criteria provided, single submitter. Criteria: LabCorp Variant Classification Summary - May 2015. Collection method: clinical testing. Allele origin: germline.

Ambry Genetics
Classification: Uncertain significance for Inborn genetic diseases. Last evaluated: 2024-10-19. Review status: criteria provided, single submitter. Criteria: Ambry Variant Classification Scheme 2023. Collection method: clinical testing. Allele origin: germline.

Labcorp Genetics (formerly Invitae), Labcorp
Classification: Uncertain significance for Multiple gastrointestinal atresias. Last evaluated: 2022-08-16. Review status: criteria provided, single submitter. Criteria: Invitae Variant Classification Sherloc (09022015). Collection method: clinical testing. Allele origin: germline.
Comment: This sequence change replaces cysteine, which is neutral and slightly polar, with tyrosine, which is neutral and polar, at codon 20 of the TTC7A protein (p.Cys20Tyr). This variant is present in population databases (rs762989436, gnomAD 0.04%). This variant has not been reported in the literature in individuals affected with TTC7A-related conditions. ClinVar contains an entry for this variant (Variation ID: 391837). Algorithms developed to predict the effect of missense changes on protein structure and function are either unavailable or do not agree on the potential impact of this missense change (SIFT: "Deleterious"; PolyPhen-2: "Benign"; Align-GVGD: "Class C0"). In summary, the available evidence is currently insufficient to determine the role of this variant in disease. Therefore, it has been classified as a Variant of Uncertain Significance.

GeneDx
Classification: Uncertain significance. Last evaluated: 2017-01-05. Review status: criteria provided, single submitter. Criteria: GeneDx Variant Classification (06012015). Collection method: clinical testing. Allele origin: germline. Affected: yes.
Comment: The C20Y variant in the TTC7A gene has not been reported previously as a pathogenic variant, nor as a benign variant, to our knowledge. The C20Y variant was not observed with any significant frequency in the Exome Aggregation Consortium (ExAC) data set, indicating it is not a common benign variant. The C20Y variant is a non-conservative amino acid substitution, which is likely to impact secondary protein structure as these residues differ in polarity, charge, size and/or other properties. In addition, this substitution occurs at a position that is conserved across species, and in silico analysis predicts this variant is probably damaging to the protein structure/function. We interpret C20Y as a variant of uncertain significance.